The following is an entry in ClinVar:

NM_003072.5(SMARCA4):c.2322C>T (p.Asn774=)

Gene: SMARCA4 (SWI/SNF related BAF chromatin remodeling complex subunit ATPase 4; plus strand). Cytogenetic location: 19p13.2.
Variant type: single nucleotide variant.
Coding change: c.2322C>T on transcript NM_003072.5 (MANE Select); coding-DNA position 2322, C replaced by T.
Protein change: p.Asn774=; no amino-acid change (asparagine 774 retained).
Molecular consequence: synonymous variant. On other transcripts: non-coding transcript variant (1).
Genome position (GRCh38, 1-based): chr19:11,012,996, C>T. VCF-style: chr19-11012996-C-T. GRCh37 (hg19) VCF-style: chr19-11123672-C-T.
Other names: c.2322C>T, p.Asn774= (NM_001128844.3, NM_001128845.2, NM_001128846.2 and 5 more transcripts).
Identifiers: ClinVar variation 415135 (VCV000415135.17), dbSNP rs528157497, ClinGen allele CA9204084.

ClinVar aggregate classification (germline): Benign/Likely benign. Review status: criteria provided, multiple submitters, no conflicts (2 of 4 stars). 3 submissions from 3 submitters: Benign (1); Likely benign (2). Last evaluated 2026-07-13.

Conditions:
Hereditary cancer-predisposing syndrome. Also called: Hereditary Cancer Syndrome; Hereditary neoplastic syndrome; Neoplastic Syndromes, Hereditary; Tumor predisposition. Identifiers: Orphanet 140162, MedGen C0027672, MeSH D009386, MONDO:0015356.
Rhabdoid tumor predisposition syndrome 2 (RTPS2). Identifiers: Orphanet 231108, Orphanet 69077, MedGen C2750074, MONDO:0013224, OMIM 613325.

Allele frequency attached by ClinVar (database versions not stated): ExAC 0.00006; gnomAD exomes 0.00002 and 0.00004; TOPMed 0.00002; gnomAD 0.00004; 1000 Genomes Project 0.00020; 1000 Genomes Project 30x 0.00016.
gnomAD v4.1: 34 of 1,614,162 alleles (0.0021%); highest among the groups gnomAD compares: South Asian, 0.016%; no homozygotes.

Submissions (3):

Myriad Genetics, Inc.
Classification: Benign for Rhabdoid tumor predisposition syndrome 2. Last evaluated: 2026-07-13. Review status: criteria provided, single submitter. Criteria: Myriad Autosomal Dominant, Autosomal Recessive and X-Linked Classification Criteria (2023). Collection method: clinical testing. Allele origin: unknown.
Comment: This variant is considered benign. This variant is a silent/synonymous amino acid change and it is not expected to impact splicing.

Labcorp Genetics (formerly Invitae), Labcorp
Classification: Likely benign for Rhabdoid tumor predisposition syndrome 2. Last evaluated: 2026-01-18. Review status: criteria provided, single submitter. Criteria: Invitae Variant Classification Sherloc (09022015). Collection method: clinical testing. Allele origin: germline.

Ambry Genetics
Classification: Likely benign for Hereditary cancer-predisposing syndrome. Last evaluated: 2015-09-16. Review status: criteria provided, single submitter. Criteria: Ambry Variant Classification Scheme 2023. Collection method: clinical testing. Allele origin: germline.